The following is an entry in ClinVar:

NM_004304.5(ALK):c.269C>T (p.Ser90Leu)

Gene: ALK (ALK receptor tyrosine kinase; minus strand). Cytogenetic location: 2p23.1.
Variant type: single nucleotide variant.
Coding change: c.269C>T on transcript NM_004304.5 (MANE Select); coding-DNA position 269, C replaced by T.
Protein change: p.Ser90Leu; replaces serine 90 with leucine.
Molecular consequence: missense variant.
Genome position (GRCh38, 1-based): chr2:29,920,391, G>A on the plus strand (C>T on the coding strand, the complement: ALK is on the minus strand). VCF-style: chr2-29920391-G-A. GRCh37 (hg19) VCF-style: chr2-30143257-G-A.
Other names: c.269C>T (NM_004304.4); short protein forms S90L.
Identifiers: ClinVar variation 2148195 (VCV002148195.6), dbSNP rs34617074, ClinGen allele CA1595013.

ClinVar aggregate classification (germline): Conflicting classifications of pathogenicity. Review status: criteria provided, conflicting classifications (1 of 4 stars). 3 submissions from 3 submitters: Uncertain significance (2); Benign (1). Last evaluated 2024-10-28.

Conditions:
Neuroblastoma, susceptibility to, 3. Also called: ALK-Related Neuroblastic Tumor Susceptibility. Identifiers: Orphanet 635, MedGen C2751681, MONDO:0013083, OMIM 613014.
Hereditary cancer-predisposing syndrome. Also called: Neoplastic Syndromes, Hereditary; Hereditary neoplastic syndrome; Hereditary Cancer Syndrome; Tumor predisposition. Identifiers: Orphanet 140162, MedGen C0027672, MeSH D009386, MONDO:0015356.

Allele frequency attached by ClinVar (database versions not stated): gnomAD 0.00001; gnomAD exomes 0.00003; ExAC 0.00015.
gnomAD v4.1: 17 of 1,568,744 alleles (0.0011%); highest among the groups gnomAD compares: South Asian, 0.014%; no homozygotes.

Submissions (3):

Ambry Genetics
Classification: Benign for Hereditary cancer-predisposing syndrome. Last evaluated: 2024-10-28. Review status: criteria provided, single submitter. Criteria: Ambry Variant Classification Scheme 2023. Collection method: clinical testing. Allele origin: germline.

GeneDx
Classification: Uncertain significance. Last evaluated: 2024-01-31. Review status: criteria provided, single submitter. Criteria: GeneDx Variant Classification Process June 2021. Collection method: clinical testing. Allele origin: germline. Affected: yes.
Comment: In silico analysis supports that this missense variant does not alter protein structure/function; Has not been previously published as pathogenic or benign to our knowledge

Labcorp Genetics (formerly Invitae), Labcorp
Classification: Uncertain significance for Neuroblastoma, susceptibility to, 3. Last evaluated: 2022-12-18. Review status: criteria provided, single submitter. Criteria: Invitae Variant Classification Sherloc (09022015). Collection method: clinical testing. Allele origin: germline.
Comment: This variant has not been reported in the literature in individuals affected with ALK-related conditions. Algorithms developed to predict the effect of missense changes on protein structure and function are either unavailable or do not agree on the potential impact of this missense change (SIFT: "Deleterious"; PolyPhen-2: "Benign"; Align-GVGD: "Class C0"). In summary, the available evidence is currently insufficient to determine the role of this variant in disease. Therefore, it has been classified as a Variant of Uncertain Significance. This variant is present in population databases (rs34617074, gnomAD 0.02%). This sequence change replaces serine, which is neutral and polar, with leucine, which is neutral and non-polar, at codon 90 of the ALK protein (p.Ser90Leu).